The following is an entry in ClinVar:

NM_000466.3(PEX1):c.2420T>A (p.Leu807Ter)

Gene: PEX1 (peroxisomal biogenesis factor 1; minus strand). Cytogenetic location: 7q21.2.
Variant type: single nucleotide variant.
Coding change: c.2420T>A on transcript NM_000466.3 (MANE Select); coding-DNA position 2420, T replaced by A.
Protein change: p.Leu807Ter; replaces leucine 807 with a stop codon.
Molecular consequence: nonsense.
Genome position (GRCh38, 1-based): chr7:92,501,670, A>T on the plus strand (T>A on the coding strand, the complement: PEX1 is on the minus strand). VCF-style: chr7-92501670-A-T. GRCh37 (hg19) VCF-style: chr7-92130984-A-T.
Other names: c.2420T>A (NM_000466.2); c.2249T>A, p.Leu750Ter (NM_001282677.2); c.1796T>A, p.Leu599Ter (NM_001282678.2); short protein forms L807*, L599*, L750*.
Identifiers: ClinVar variation 2127153 (VCV002127153.5), dbSNP rs2484660560, ClinGen allele CA368176603.
Genomic context (GRCh38, chr7:92,501,670, plus strand): 5'-CGCAAAGACGCAGGAAGAAATCCGCGGAGAGCCTTTTGGAAGTCCAATGTTGTTAAAACT[A>T]ATTCTGTTTAAAAATAAACAAAACTTCTTTTACTAGTTATATTCACTATATGAATTTTCA-3'

ClinVar aggregate classification (germline): Pathogenic/Likely pathogenic. Review status: criteria provided, multiple submitters, no conflicts (2 of 4 stars). 2 submissions from 2 submitters: Pathogenic (1); Likely pathogenic (1). Last evaluated 2026-01-19.

Conditions:
Zellweger spectrum disorders (ZS). Also called: Zellweger Spectrum Disorder (ZSD); Zellweger syndrome; Zellweger Spectrum Disorder; Zellweger Spectrum. Identifiers: Orphanet 912, MedGen C0043459, MONDO:0019609.

Submissions (2):

Natera, Inc.
Classification: Likely pathogenic for Zellweger syndrome. Last evaluated: 2026-01-19. Review status: criteria provided, single submitter. Criteria: Natera Variant Classification Schema (03/2026). Collection method: clinical testing. Allele origin: germline.
Comment: The c.2420T>A variant in PEX1 is a nonsense variant predicted to introduce a stop codon at amino acid 807. This variant is expected to result in nonsense mediated decay, truncation, or a dysfunctional protein product. This variant is rare in the general population with a frequency below the threshold expected for the associated phenotype(s). Given the available evidence, this variant is classified as Likely Pathogenic.

Labcorp Genetics (formerly Invitae), Labcorp
Classification: Pathogenic for Zellweger spectrum disorders. Last evaluated: 2023-05-31. Review status: criteria provided, single submitter. Criteria: Invitae Variant Classification Sherloc (09022015). Collection method: clinical testing. Allele origin: germline.
Comment: For these reasons, this variant has been classified as Pathogenic. ClinVar contains an entry for this variant (Variation ID: 2127153). This variant has not been reported in the literature in individuals affected with PEX1-related conditions. This variant is not present in population databases (gnomAD no frequency). This sequence change creates a premature translational stop signal (p.Leu807*) in the PEX1 gene. It is expected to result in an absent or disrupted protein product. Loss-of-function variants in PEX1 are known to be pathogenic (PMID: 9398847, 16086329, 16141001, 21031596, 26387595, 31831025).

Literature cited by the submitters: PubMed 9398847 (cited by Labcorp Genetics (formerly Invitae), Labcorp); PubMed 16086329 (cited by Labcorp Genetics (formerly Invitae), Labcorp); PubMed 16141001 (cited by Labcorp Genetics (formerly Invitae), Labcorp); PubMed 21031596 (cited by Labcorp Genetics (formerly Invitae), Labcorp); PubMed 26387595 (cited by Labcorp Genetics (formerly Invitae), Labcorp); PubMed 31831025 (cited by Labcorp Genetics (formerly Invitae), Labcorp).